The following is an entry in ClinVar:

ClinVar aggregate classification (germline): Conflicting classifications of pathogenicity. Review status: criteria provided, conflicting classifications (1 of 4 stars). 2 submissions from 2 submitters: Uncertain significance (1); Benign (1). Last evaluated 2018-06-19.

Conditions:
Primary familial hypertrophic cardiomyopathy (HCM). Identifiers: Orphanet 99739, MedGen C0949658, MeSH D024741, MONDO:0024573. Inheritance: Various modes of inheritance.

Submissions (2):

GeneDx
Classification: Benign. Last evaluated: 2018-06-19. Review status: criteria provided, single submitter. Criteria: GeneDx Variant Classification Process June 2021. Collection method: clinical testing. Allele origin: germline. Affected: yes.

Women's Health and Genetics/Laboratory Corporation of America, LabCorp
Classification: Uncertain significance for Hypertrophic Cardiomyopathy. Last evaluated: 2011-08-18. Review status: criteria provided, single submitter. Criteria: LabCorp Variant Classification Summary - May 2015. Collection method: curation. Allele origin: germline. Inheritance: autosomal unknown. Affected: yes.
ClinVar note: Converted during submission from uncertain to Uncertain significance.

NM_000363.5(TNNI3):c.549+68_549+69insGGCCTA

Gene: TNNI3 (troponin I3, cardiac type; minus strand). Cytogenetic location: 19q13.42.
Variant type: Insertion.
Coding change: c.549+68_549+69insGGCCTA on transcript NM_000363.5 (MANE Select); bases 68 to 69 of the intron after coding-DNA position 549, GGCCTA inserted.
Molecular consequence: intron variant.
Genome position: GRCh38 VCF-style: chr19-55153961-G-GCTAGGC. GRCh37 (hg19) VCF-style: chr19-55665329-G-GCTAGGC.
Other names: c.549+68_549+69insGCCTAG (LRG_432t1).
Identifiers: ClinVar variation 36882 (VCV000036882.4), dbSNP rs139158921, ClinGen allele CA021871.